The following is an entry in ClinVar:

NM_006012.4(CLPP):c.-7_-6insCC

Gene: CLPP (caseinolytic mitochondrial matrix peptidase proteolytic subunit; plus strand). Cytogenetic location: 19p13.3.
Variant type: Insertion.
Coding change: c.-7_-6insCC on transcript NM_006012.4 (MANE Select); 7 bases upstream of the start codon through 6 bases upstream of the start codon, CC inserted.
Molecular consequence: 5 prime UTR variant.
Genome position: GRCh38 VCF-style: chr19-6361567-G-GCC. GRCh37 (hg19) VCF-style: chr19-6361578-G-GCC.
Identifiers: ClinVar variation 504858 (VCV000504858.6), dbSNP rs545353866, ClinGen allele CA9122763.
Genomic context (GRCh38, chr19:6,361,567, plus strand): 5'-CAGGCGCAAAGCACGCCGGAAGCTGTAGTTCCGCCATCGGACGGAAGCCGACCGGGGCGT[G>GCC]CGGAGGGATGTGGCCCGGAATATTGGTAGGGGGGGCCCGGGTGGCGTCATGCAGGTACCC-3'

ClinVar aggregate classification (germline): Likely benign. Review status: criteria provided, multiple submitters, no conflicts (2 of 4 stars). 4 submissions from 4 submitters: Likely benign (4). Last evaluated 2025-10-21.

Submissions (4):

Mayo Clinic Laboratories, Mayo Clinic
Classification: Likely benign. Last evaluated: 2025-10-21. Review status: criteria provided, single submitter. Criteria: ACMG Guidelines, 2015. Collection method: clinical testing. Allele origin: germline. Observed: 6 variant alleles.
Comment: BS1, BP4, BP7

Blueprint Genetics
Classification: Likely benign. Last evaluated: 2024-11-25. Review status: criteria provided, single submitter. Criteria: ACMG Guidelines, 2015. Collection method: clinical testing. Allele origin: germline.

GeneDx
Classification: Likely benign. Last evaluated: 2018-01-30. Review status: criteria provided, single submitter. Criteria: GeneDx Variant Classification (06012015). Collection method: clinical testing. Allele origin: germline. Affected: yes.
Comment: This variant is considered likely benign or benign based on one or more of the following criteria: it is a conservative change, it occurs at a poorly conserved position in the protein, it is predicted to be benign by multiple in silico algorithms, and/or has population frequency not consistent with disease.

Laboratory for Molecular Medicine, Mass General Brigham Personalized Medicine
Classification: Likely benign. Last evaluated: 2016-06-20. Review status: criteria provided, single submitter. Criteria: LMM Criteria. Collection method: clinical testing. Allele origin: germline. Observed: 1 variant allele.
Comment: c.-7_-6insCC in exon 1 of CLPP: This variant is not expected to have clinical si gnificance because it has been identified in 0.7% (19/2910) of European chromoso mes by the Exome Aggregation Consortium (ExAC; d bSNP rs545353866).